The following is an entry in ClinVar:

NM_023077.3(COA7):c.556G>A (p.Ala186Thr)

Gene: COA7 (cytochrome c oxidase assembly factor 7; minus strand). Cytogenetic location: 1p32.3.
Variant type: single nucleotide variant.
Coding change: c.556G>A on transcript NM_023077.3 (MANE Select); coding-DNA position 556, G replaced by A.
Protein change: p.Ala186Thr; replaces alanine 186 with threonine.
Molecular consequence: missense variant.
Genome position (GRCh38, 1-based): chr1:52,687,860, C>T on the plus strand (G>A on the coding strand, the complement: COA7 is on the minus strand). VCF-style: chr1-52687860-C-T. GRCh37 (hg19) VCF-style: chr1-53153532-C-T.
Other names: short protein forms A186T.
Identifiers: ClinVar variation 3003478 (VCV003003478.3), dbSNP rs2524534685, ClinGen allele CA340362111.

ClinVar aggregate classification (germline): Uncertain significance (1 of 4 stars; one submission).

gnomAD v4.1: 1 of 1,614,250 alleles (0.000062%); highest among the groups gnomAD compares: South Asian, 0.0011%; no homozygotes.

Submission:

Labcorp Genetics (formerly Invitae), Labcorp
Classification: Uncertain significance. Last evaluated: 2023-12-01. Review status: criteria provided, single submitter. Criteria: Invitae Variant Classification Sherloc (09022015). Collection method: clinical testing. Allele origin: germline.
Comment: This sequence change replaces alanine, which is neutral and non-polar, with threonine, which is neutral and polar, at codon 186 of the COA7 protein (p.Ala186Thr). This variant is not present in population databases (gnomAD no frequency). This variant has not been reported in the literature in individuals affected with COA7-related conditions. An algorithm developed to predict the effect of missense changes on protein structure and function (PolyPhen-2) suggests that this variant is likely to be disruptive. In summary, the available evidence is currently insufficient to determine the role of this variant in disease. Therefore, it has been classified as a Variant of Uncertain Significance.